The following is an entry in ClinVar:

NM_005732.4(RAD50):c.3446A>T (p.Asp1149Val)

Genes: TH2-LCR (Th2 cytokine locus control region; plus strand), RAD50 (RAD50 double strand break repair protein; plus strand), TH2LCRR (T helper type 2 locus control region associated RNA; minus strand). Cytogenetic location: 5q31.1.
Variant type: single nucleotide variant.
Coding change: c.3446A>T on transcript NM_005732.4 (MANE Select); coding-DNA position 3446, A replaced by T.
Protein change: p.Asp1149Val; replaces aspartic acid 1149 with valine.
Molecular consequence: missense variant.
Genome position (GRCh38, 1-based): chr5:132,637,171, A>T. VCF-style: chr5-132637171-A-T. GRCh37 (hg19) VCF-style: chr5-131972863-A-T.
Other names: short protein forms D1149V.
Identifiers: ClinVar variation 1347478 (VCV001347478.8), dbSNP rs1453591243, ClinGen allele CA360930340.
Genomic context (GRCh38, chr5:132,637,171, plus strand): 5'-CCAGAGCAATAATGAAATTTCACAGTATGAAAATGGAAGAAATCAATAAAATTATACGTG[A>T]CCTGTGGCGAAGTACCTATCGTGGACAAGGTGAGTACCATGGTGTATCACAAATGCTCTT-3'
Protein context (NP_005723.2, residues 1139-1159): KMEEINKIIR[Asp1149Val]LWRSTYRGQD

ClinVar aggregate classification (germline): Uncertain significance. Review status: criteria provided, multiple submitters, no conflicts (2 of 4 stars). 2 submissions from 2 submitters: Uncertain significance (2). Last evaluated 2025-04-21.

Conditions:
Hereditary cancer-predisposing syndrome. Also called: Hereditary neoplastic syndrome; Tumor predisposition; Neoplastic Syndromes, Hereditary; Hereditary Cancer Syndrome. Identifiers: Orphanet 140162, MedGen C0027672, MeSH D009386, MONDO:0015356.

Allele frequency attached by ClinVar (database versions not stated): gnomAD exomes below 0.00001.

Submissions (2):

Labcorp Genetics (formerly Invitae), Labcorp
Classification: Uncertain significance for Hereditary cancer-predisposing syndrome. Last evaluated: 2025-04-21. Review status: criteria provided, single submitter. Criteria: Invitae Variant Classification Sherloc (09022015). Collection method: clinical testing. Allele origin: germline.
Comment: This sequence change replaces aspartic acid, which is acidic and polar, with valine, which is neutral and non-polar, at codon 1149 of the RAD50 protein (p.Asp1149Val). This variant is present in population databases (no rsID available, gnomAD 0.006%). This variant has not been reported in the literature in individuals affected with RAD50-related conditions. ClinVar contains an entry for this variant (Variation ID: 1347478). Invitae Evidence Modeling of protein sequence and biophysical properties (such as structural, functional, and spatial information, amino acid conservation, physicochemical variation, residue mobility, and thermodynamic stability) indicates that this missense variant is expected to disrupt RAD50 protein function with a positive predictive value of 80%. In summary, the available evidence is currently insufficient to determine the role of this variant in disease. Therefore, it has been classified as a Variant of Uncertain Significance.

Ambry Genetics
Classification: Uncertain significance for Hereditary cancer-predisposing syndrome. Last evaluated: 2024-02-16. Review status: criteria provided, single submitter. Criteria: Ambry Variant Classification Scheme 2023. Collection method: clinical testing. Allele origin: germline.
Comment: The p.D1149V variant (also known as c.3446A>T), located in coding exon 22 of the RAD50 gene, results from an A to T substitution at nucleotide position 3446. The aspartic acid at codon 1149 is replaced by valine, an amino acid with highly dissimilar properties. This amino acid position is conserved. In addition, this alteration is predicted to be deleterious by in silico analysis. Since supporting evidence is limited at this time, the clinical significance of this alteration remains unclear.